The following is an entry in ClinVar:

ClinVar aggregate classification (germline): Uncertain significance (1 of 4 stars; one submission).

Conditions:
Baller-Gerold syndrome (BGS). Also called: CRANIOSYNOSTOSIS WITH RADIAL DEFECTS. Identifiers: Orphanet 1225, MedGen C0265308, MONDO:0009039, OMIM 218600.

Submission:

Labcorp Genetics (formerly Invitae), Labcorp
Classification: Uncertain significance for Baller-Gerold syndrome. Last evaluated: 2021-07-26. Review status: criteria provided, single submitter. Criteria: Invitae Variant Classification Sherloc (09022015). Collection method: clinical testing. Allele origin: germline.
Comment: This sequence change replaces leucine with proline at codon 676 of the RECQL4 protein (p.Leu676Pro). The leucine residue is highly conserved and there is a moderate physicochemical difference between leucine and proline. In summary, the available evidence is currently insufficient to determine the role of this variant in disease. Therefore, it has been classified as a Variant of Uncertain Significance. Experimental studies and prediction algorithms are not available or were not evaluated, and the functional significance of this variant is currently unknown. This variant has not been reported in the literature in individuals affected with RECQL4-related conditions. This variant is not present in population databases (ExAC no frequency).

NM_004260.4(RECQL4):c.2027T>C (p.Leu676Pro)

Gene: RECQL4 (RecQ like helicase 4; minus strand). Cytogenetic location: 8q24.3.
Variant type: single nucleotide variant.
Coding change: c.2027T>C on transcript NM_004260.4 (MANE Select); coding-DNA position 2027, T replaced by C.
Protein change: p.Leu676Pro; replaces leucine 676 with proline.
Molecular consequence: missense variant.
Genome position (GRCh38, 1-based): chr8:144,513,959, A>G on the plus strand (T>C on the coding strand, the complement: RECQL4 is on the minus strand). VCF-style: chr8-144513959-A-G. GRCh37 (hg19) VCF-style: chr8-145739343-A-G.
Other names: short protein forms L676P.
Identifiers: ClinVar variation 1474394 (VCV001474394.6), dbSNP rs2130690448, ClinGen allele CA372680280.